The following is an entry in ClinVar:

ClinVar aggregate classification (germline): Uncertain significance (1 of 4 stars; one submission).

Allele frequency attached by ClinVar (database versions not stated): gnomAD exomes 0.00002; TOPMed 0.00002; ExAC 0.00003.
gnomAD v4.1: 6 of 1,614,140 alleles (0.00037%); highest among the groups gnomAD compares: Admixed American, 0.01%; no homozygotes.

Submission:

Labcorp Genetics (formerly Invitae), Labcorp
Classification: Uncertain significance. Last evaluated: 2025-08-04. Review status: criteria provided, single submitter. Criteria: Invitae Variant Classification Sherloc (09022015). Collection method: clinical testing. Allele origin: germline.
Comment: This sequence change replaces alanine, which is neutral and non-polar, with serine, which is neutral and polar, at codon 1042 of the VCAN protein (p.Ala1042Ser). This variant is present in population databases (rs759050538, gnomAD 0.02%). This variant has not been reported in the literature in individuals affected with VCAN-related conditions. ClinVar contains an entry for this variant (Variation ID: 1496979). An algorithm developed to predict the effect of missense changes on protein structure and function outputs the following: PolyPhen-2: "Benign". The serine amino acid residue is found in multiple mammalian species, which suggests that this missense change does not adversely affect protein function. In summary, the available evidence is currently insufficient to determine the role of this variant in disease. Therefore, it has been classified as a Variant of Uncertain Significance.

NM_004385.5(VCAN):c.3124G>T (p.Ala1042Ser)

Gene: VCAN (versican; plus strand). Cytogenetic location: 5q14.3.
Variant type: single nucleotide variant.
Coding change: c.3124G>T on transcript NM_004385.5 (MANE Select); coding-DNA position 3124, G replaced by T.
Protein change: p.Ala1042Ser; replaces alanine 1042 with serine.
Molecular consequence: missense variant. On other transcripts: intron variant (2).
Genome position (GRCh38, 1-based): chr5:83,521,430, G>T. VCF-style: chr5-83521430-G-T. GRCh37 (hg19) VCF-style: chr5-82817249-G-T.
Other names: c.3124G>T, p.Ala1042Ser (NM_001164098.2); c.1042+9034G>T (NM_001164097.2, NM_001126336.3); short protein forms A1042S.
Identifiers: ClinVar variation 1496979 (VCV001496979.8), dbSNP rs759050538, ClinGen allele CA3332960.